The following is an entry in ClinVar:

NM_000038.6(APC):c.3556G>A (p.Asp1186Asn)

Gene: APC (APC regulator of Wnt signaling pathway; plus strand). Cytogenetic location: 5q22.2.
Variant type: single nucleotide variant.
Coding change: c.3556G>A on transcript NM_000038.6 (MANE Select); coding-DNA position 3556, G replaced by A.
Protein change: p.Asp1186Asn; replaces aspartic acid 1186 with asparagine.
Molecular consequence: missense variant.
Genome position (GRCh38, 1-based): chr5:112,839,150, G>A. VCF-style: chr5-112839150-G-A. GRCh37 (hg19) VCF-style: chr5-112174847-G-A.
Other names: c.3556G>A (NM_000038.5); c.3556G>A, p.Asp1186Asn (NM_001127510.3, NM_001354895.2); c.3502G>A, p.Asp1168Asn (NM_001127511.3); c.3610G>A, p.Asp1204Asn (NM_001354896.2); c.3586G>A, p.Asp1196Asn (NM_001354897.2); c.3481G>A, p.Asp1161Asn (NM_001354898.2); c.3472G>A, p.Asp1158Asn (NM_001354899.2); c.3433G>A, p.Asp1145Asn (NM_001354900.2); and 6 more; short protein forms D1060N, D1095N, D1145N, D1168N, D1026N, D1085N, D1127N, D1196N.
Identifiers: ClinVar variation 1038165 (VCV001038165.12), dbSNP rs1765455990, ClinGen allele CA16029144.
Genomic context (GRCh38, chr5:112,839,150, plus strand): 5'-TATAATGAAGAGAAACGTCATGTGGATCAGCCTATTGATTATAGTTTAAAATATGCCACA[G>A]ATATTCCTTCATCACAGAAACAGTCATTTTCATTCTCAAAGAGTTCATCTGGACAAAGCA-3'
Protein context (NP_000029.2, residues 1176-1196): PIDYSLKYAT[Asp1186Asn]IPSSQKQSFS

ClinVar aggregate classification (germline): Uncertain significance. Review status: criteria provided, multiple submitters, no conflicts (2 of 4 stars). 2 submissions from 2 submitters: Uncertain significance (2). Last evaluated 2023-05-25.

Conditions:
Hereditary cancer-predisposing syndrome. Also called: Neoplastic Syndromes, Hereditary; Hereditary Cancer Syndrome; Tumor predisposition; Hereditary neoplastic syndrome. Identifiers: Orphanet 140162, MedGen C0027672, MeSH D009386, MONDO:0015356.
Familial adenomatous polyposis 1 (FAP1). Also called: FAMILIAL ADENOMATOUS POLYPOSIS 1, ATTENUATED; POLYPOSIS, ADENOMATOUS INTESTINAL. Identifiers: MedGen C2713442, MONDO:0021056, OMIM 175100. Disease mechanism: loss of function.

Submissions (2):

Ambry Genetics
Classification: Uncertain significance for Hereditary cancer-predisposing syndrome. Last evaluated: 2023-05-25. Review status: criteria provided, single submitter. Criteria: Ambry Variant Classification Scheme 2023. Collection method: clinical testing. Allele origin: germline.
Comment: The p.D1186N variant (also known as c.3556G>A), located in coding exon 15 of the APC gene, results from a G to A substitution at nucleotide position 3556. The aspartic acid at codon 1186 is replaced by asparagine, an amino acid with highly similar properties. This amino acid position is well conserved in available vertebrate species. In addition, in silico predictors for this gene do not accurately predict pathogenicity. Since supporting evidence is limited at this time, the clinical significance of this alteration remains unclear.

Labcorp Genetics (formerly Invitae), Labcorp
Classification: Uncertain significance for Familial adenomatous polyposis 1. Last evaluated: 2020-12-31. Review status: criteria provided, single submitter. Criteria: Invitae Variant Classification Sherloc (09022015). Collection method: clinical testing. Allele origin: germline.
Comment: In summary, the available evidence is currently insufficient to determine the role of this variant in disease. Therefore, it has been classified as a Variant of Uncertain Significance. Algorithms developed to predict the effect of missense changes on protein structure and function are either unavailable or do not agree on the potential impact of this missense change (SIFT: "Tolerated"; PolyPhen-2: "Possibly Damaging"; Align-GVGD: "Class C0"). This variant has not been reported in the literature in individuals with APC-related conditions. This variant is not present in population databases (ExAC no frequency). This sequence change replaces aspartic acid with asparagine at codon 1186 of the APC protein (p.Asp1186Asn). The aspartic acid residue is moderately conserved and there is a small physicochemical difference between aspartic acid and asparagine.